The following is an entry in ClinVar:

NM_001349253.2(SCN11A):c.1498C>T (p.Arg500Ter)

Gene: SCN11A (sodium voltage-gated channel alpha subunit 11; minus strand). Cytogenetic location: 3p22.2.
Variant type: single nucleotide variant.
Coding change: c.1498C>T on transcript NM_001349253.2 (MANE Select); coding-DNA position 1498, C replaced by T.
Protein change: p.Arg500Ter; replaces arginine 500 with a stop codon.
Molecular consequence: nonsense.
Genome position (GRCh38, 1-based): chr3:38,905,297, G>A on the plus strand (C>T on the coding strand, the complement: SCN11A is on the minus strand). VCF-style: chr3-38905297-G-A. GRCh37 (hg19) VCF-style: chr3-38946788-G-A.
Other names: p.Arg500*; c.1498C>T, p.Arg500Ter (NM_014139.3); short protein forms R500*.
Identifiers: ClinVar variation 653181 (VCV000653181.44), dbSNP rs367770852, ClinGen allele CA2322282.
Genomic context (GRCh38, chr3:38,905,297, plus strand): 5'-GCCTTTGGAGAGGATCTCCATGCTCATCAAAGTGGTCCAGTGATAGATTCTGGGACAGTC[G>A]TTTGGTTTGCTCTAGGAGCTGTGGCTGTAAGAGAAGGCATAGGGCACCTTCTAAAGACAG-3'

ClinVar aggregate classification (germline): Uncertain significance. Review status: criteria provided, multiple submitters, no conflicts (2 of 4 stars). 4 submissions from 4 submitters: Uncertain significance (4). Last evaluated 2025-04-01.

Conditions:
Hereditary sensory and autonomic neuropathy type 7. Also called: HSAN VII; Neuropathy, hereditary sensory and autonomic, type VII. Identifiers: Orphanet 391397, MedGen C3809882, MONDO:0014244, OMIM 615548.
Familial episodic pain syndrome with predominantly lower limb involvement. Also called: Episodic pain syndrome, familial, 3. Identifiers: Orphanet 391384, Orphanet 391392, MedGen C3809899, MONDO:0014247, OMIM 615552.
Inborn genetic diseases. Identifiers: MedGen C0950123, MeSH D030342.

Allele frequency attached by ClinVar (database versions not stated): TOPMed 0.00001.
gnomAD v4.1: 24 of 1,613,884 alleles (0.0015%); highest among the groups gnomAD compares: African/African-American, 0.004%; no homozygotes.

Submissions (4):

Labcorp Genetics (formerly Invitae), Labcorp
Classification: Uncertain significance for Familial episodic pain syndrome with predominantly lower limb involvement; Hereditary sensory and autonomic neuropathy type 7. Last evaluated: 2025-04-01. Review status: criteria provided, single submitter. Criteria: Invitae Variant Classification Sherloc (09022015). Collection method: clinical testing. Allele origin: germline.
Comment: This sequence change creates a premature translational stop signal (p.Arg500*) in the SCN11A gene. It is expected to result in an absent or disrupted protein product. However, the current clinical and genetic evidence is not sufficient to establish whether loss-of-function variants in SCN11A cause disease. This variant is present in population databases (rs367770852, gnomAD 0.007%). This variant has not been reported in the literature in individuals affected with SCN11A-related conditions. This premature translational stop signal has been observed in at least one individual who was not affected with SCN11A-related conditions (internal data). ClinVar contains an entry for this variant (Variation ID: 653181). In summary, the available evidence is currently insufficient to determine the role of this variant in disease. Therefore, it has been classified as a Variant of Uncertain Significance.

Mayo Clinic Laboratories, Mayo Clinic
Classification: Uncertain significance. Last evaluated: 2023-05-04. Review status: criteria provided, single submitter. Criteria: ACMG Guidelines, 2015. Collection method: clinical testing. Allele origin: germline. Observed: 1 variant allele.
Comment: BS2

CeGaT Center for Human Genetics Tuebingen
Classification: Uncertain significance. Last evaluated: 2022-10-01. Review status: criteria provided, single submitter. Criteria: CeGaT Center For Human Genetics Tuebingen Variant Classification Criteria Version 2. Collection method: clinical testing. Allele origin: germline. Affected: yes. Observed: 2 variant alleles.

Ambry Genetics
Classification: Uncertain significance for Inborn genetic diseases. Last evaluated: 2020-09-14. Review status: criteria provided, single submitter. Criteria: Ambry Variant Classification Scheme 2023. Collection method: clinical testing. Allele origin: germline.
Comment: The p.R500* variant (also known as c.1498C>T), located in coding exon 11 of the SCN11A gene, results from a C to T substitution at nucleotide position 1498. This changes the amino acid from an arginine to a stop codon within coding exon 11. This alteration is expected to result in premature protein truncation or nonsense-mediated mRNA decay. However, loss of function of SCN11A has not been clearly established as a mechanism of disease. Since supporting evidence is limited at this time, the clinical significance of this alteration remains unclear.